The following is an entry in ClinVar:

ClinVar aggregate classification (germline): Uncertain significance. Review status: criteria provided, multiple submitters, no conflicts (2 of 4 stars). 4 submissions from 4 submitters: Uncertain significance (4). Last evaluated 2025-04-09.

Conditions:
Hereditary nonpolyposis colorectal neoplasms. Identifiers: MedGen C0009405, MeSH D003123.
Lynch syndrome 4 (LYNCH4). Also called: Colorectal cancer, hereditary nonpolyposis, type 4; Hereditary non-polyposis colorectal cancer, type 4. Identifiers: Orphanet 144, MedGen C1838333, MONDO:0013699, OMIM 614337. Disease mechanism: loss of function.
Mismatch repair cancer syndrome 4. Identifiers: MedGen C5436817, MONDO:0030843, OMIM 619101.
Hereditary cancer-predisposing syndrome. Also called: Neoplastic Syndromes, Hereditary; Tumor predisposition; Hereditary Cancer Syndrome; Hereditary neoplastic syndrome. Identifiers: Orphanet 140162, MedGen C0027672, MeSH D009386, MONDO:0015356.

Allele frequency attached by ClinVar (database versions not stated): gnomAD exomes 0.00001.

Submissions (4):

Labcorp Genetics (formerly Invitae), Labcorp
Classification: Uncertain significance for Hereditary nonpolyposis colorectal neoplasms. Last evaluated: 2025-04-09. Review status: criteria provided, single submitter. Criteria: Invitae Variant Classification Sherloc (09022015). Collection method: clinical testing. Allele origin: germline.
Comment: This sequence change replaces alanine, which is neutral and non-polar, with threonine, which is neutral and polar, at codon 808 of the PMS2 protein (p.Ala808Thr). The frequency data for this variant in the population databases (gnomAD) is considered unreliable due to the presence of homologous sequence, such as pseudogenes or paralogs, in the genome. This variant has not been reported in the literature in individuals affected with PMS2-related conditions. ClinVar contains an entry for this variant (Variation ID: 821246). Invitae Evidence Modeling incorporating data from in vitro experimental studies (internal data) indicates that this missense variant is not expected to disrupt PMS2 function with a negative predictive value of 95%. In summary, the available evidence is currently insufficient to determine the role of this variant in disease. Therefore, it has been classified as a Variant of Uncertain Significance.

Color Diagnostics, LLC DBA Color Health
Classification: Uncertain significance for Hereditary cancer-predisposing syndrome. Last evaluated: 2024-09-13. Review status: criteria provided, single submitter. Criteria: ACMG Guidelines, 2015. Collection method: clinical testing. Allele origin: germline.
Comment: This missense variant replaces alanine with threonine at codon 808 of the PMS2 protein. Computational prediction suggests that this variant may have deleterious impact on protein structure and function (internally defined REVEL score threshold >= 0.7, PMID: 27666373). To our knowledge, functional studies have not been reported for this variant. This variant has not been reported in individuals affected with PMS2-related disorders in the literature. This variant has been identified in 3/217656 chromosomes in the general population by the Genome Aggregation Database (gnomAD). The available evidence is insufficient to determine the role of this variant in disease conclusively. Therefore, this variant is classified as a Variant of Uncertain Significance.

Ambry Genetics
Classification: Uncertain significance for Hereditary cancer-predisposing syndrome. Last evaluated: 2024-08-22. Review status: criteria provided, single submitter. Criteria: Ambry Variant Classification Scheme 2023. Collection method: clinical testing. Allele origin: germline.
Comment: The p.A808T variant (also known as c.2422G>A), located in coding exon 14 of the PMS2 gene, results from a G to A substitution at nucleotide position 2422. The alanine at codon 808 is replaced by threonine, an amino acid with similar properties. This amino acid position is highly conserved in available vertebrate species. In addition, this alteration is predicted to be deleterious by in silico analysis. Since supporting evidence is limited at this time, the clinical significance of this alteration remains unclear.

Fulgent Genetics
Classification: Uncertain significance for Lynch syndrome 4; Mismatch repair cancer syndrome 4. Last evaluated: 2022-05-31. Review status: criteria provided, single submitter. Criteria: ACMG Guidelines, 2015. Collection method: clinical testing. Allele origin: unknown.

NM_000535.7(PMS2):c.2422G>A (p.Ala808Thr)

Gene: PMS2 (PMS1 homolog 2, mismatch repair system component; minus strand). Cytogenetic location: 7p22.1.
Variant type: single nucleotide variant.
Coding change: c.2422G>A on transcript NM_000535.7 (MANE Select); coding-DNA position 2422, G replaced by A.
Protein change: p.Ala808Thr; replaces alanine 808 with threonine.
Molecular consequence: missense variant. On other transcripts: non-coding transcript variant (1).
Genome position (GRCh38, 1-based): chr7:5,977,611, C>T on the plus strand (G>A on the coding strand, the complement: PMS2 is on the minus strand). VCF-style: chr7-5977611-C-T. GRCh37 (hg19) VCF-style: chr7-6017242-C-T.
Other names: c.2017G>A, p.Ala673Thr (NM_001322003.2, NM_001322004.2, NM_001322005.2); c.2266G>A, p.Ala756Thr (NM_001322006.2); c.2104G>A, p.Ala702Thr (NM_001322007.2, NM_001322008.2); c.2050G>A, p.Ala684Thr (NM_001322009.2); c.1861G>A, p.Ala621Thr (NM_001322010.2); c.1489G>A, p.Ala497Thr (NM_001322011.2, NM_001322012.2); c.1849G>A, p.Ala617Thr (NM_001322013.2); c.2455G>A, p.Ala819Thr (NM_001322014.2); and 1 more; short protein forms A617T, A621T, A808T, A684T, A819T, A497T, A705T, A673T.
Identifiers: ClinVar variation 821246 (VCV000821246.9), dbSNP rs1306035279, ClinGen allele CA366735607.